The following is an entry in ClinVar:

NM_024675.4(PALB2):c.722A>G (p.Asn241Ser)

Gene: PALB2 (partner and localizer of BRCA2; minus strand). Cytogenetic location: 16p12.2.
Variant type: single nucleotide variant.
Coding change: c.722A>G on transcript NM_024675.4 (MANE Select); coding-DNA position 722, A replaced by G.
Protein change: p.Asn241Ser; replaces asparagine 241 with serine.
Molecular consequence: missense variant.
Genome position (GRCh38, 1-based): chr16:23,635,824, T>C on the plus strand (A>G on the coding strand, the complement: PALB2 is on the minus strand). VCF-style: chr16-23635824-T-C. GRCh37 (hg19) VCF-style: chr16-23647145-T-C.
Other names: short protein forms N241S.
Identifiers: ClinVar variation 136138 (VCV000136138.21), dbSNP rs587780823, ClinGen allele CA168406.

ClinVar aggregate classification (germline): Conflicting classifications of pathogenicity. Review status: criteria provided, conflicting classifications (1 of 4 stars). 5 submissions from 5 submitters: Uncertain significance (3); Likely benign (1). 1 of the submissions does not count toward it. Last evaluated 2025-10-01.

Conditions:
Hereditary cancer-predisposing syndrome. Also called: Tumor predisposition; Hereditary neoplastic syndrome; Neoplastic Syndromes, Hereditary; Hereditary Cancer Syndrome. Identifiers: Orphanet 140162, MedGen C0027672, MeSH D009386, MONDO:0015356.
Familial cancer of breast. Also called: BREAST CANCER, FAMILIAL; hereditary breast carcinoma; Hereditary breast cancer. Identifiers: Orphanet 227535, MedGen C0346153, MONDO:0016419, OMIM 114480. Disease mechanism: loss of function.

Allele frequency attached by ClinVar (database versions not stated): gnomAD exomes below 0.00001; TOPMed below 0.00001.
gnomAD v4.1: 1 of 1,614,148 alleles (0.000062%); highest among the groups gnomAD compares: Admixed American, 0.0017%; no homozygotes.

Submissions (5):

Labcorp Genetics (formerly Invitae), Labcorp
Classification: Uncertain significance for Familial cancer of breast. Last evaluated: 2025-10-01. Review status: criteria provided, single submitter. Criteria: Invitae Variant Classification Sherloc (09022015). Collection method: clinical testing. Allele origin: germline.
Comment: This sequence change replaces asparagine, which is neutral and polar, with serine, which is neutral and polar, at codon 241 of the PALB2 protein (p.Asn241Ser). This variant is present in population databases (rs587780823, gnomAD 0.003%). This variant has not been reported in the literature in individuals affected with PALB2-related conditions. ClinVar contains an entry for this variant (Variation ID: 136138). An algorithm developed to predict the effect of missense changes on protein structure and function outputs the following: PolyPhen-2: "Benign". The serine amino acid residue is found in multiple mammalian species, which suggests that this missense change does not adversely affect protein function. In summary, the available evidence is currently insufficient to determine the role of this variant in disease. Therefore, it has been classified as a Variant of Uncertain Significance.

Ambry Genetics
Classification: Likely benign for Hereditary cancer-predisposing syndrome. Last evaluated: 2024-03-28. Review status: criteria provided, single submitter. Criteria: Ambry Variant Classification Scheme 2023. Collection method: clinical testing. Allele origin: germline.

Color Diagnostics, LLC DBA Color Health
Classification: Uncertain significance for Hereditary cancer-predisposing syndrome. Last evaluated: 2023-12-05. Review status: criteria provided, single submitter. Criteria: ACMG Guidelines, 2015. Collection method: clinical testing. Allele origin: germline.
Comment: This missense variant replaces asparagine with serine at codon 241 of the PALB2 protein. Computational prediction suggests that this variant may not impact protein structure and function (internally defined REVEL score threshold <= 0.5, PMID: 27666373). To our knowledge, functional studies have not been reported for this variant. This variant has not been reported in individuals affected with PALB2-related disorders in the literature. This variant has been identified in 1/251152 chromosomes in the general population by the Genome Aggregation Database (gnomAD). The available evidence is insufficient to determine the role of this variant in disease conclusively. Therefore, this variant is classified as a Variant of Uncertain Significance.

Myriad Genetics, Inc.
Classification: Uncertain significance for Familial cancer of breast. Last evaluated: 2023-03-31. Review status: criteria provided, single submitter. Criteria: Myriad Autosomal Dominant, Autosomal Recessive and X-Linked Classification Criteria (2023). Collection method: clinical testing. Allele origin: unknown.
Comment: This variant is classified as a variant of uncertain significance as there is insufficient evidence to determine its impact on protein function and/or cancer risk.

Counsyl
Classification: Uncertain significance for Familial cancer of breast. Last evaluated: 2015-12-18. Review status: no assertion criteria provided. Collection method: clinical testing. Allele origin: unknown. Not counted in ClinVar's aggregate classification.